The following is an entry in ClinVar:

NM_014753.4(BMS1):c.641C>T (p.Ala214Val)

Gene: BMS1 (BMS1 ribosome biogenesis factor; plus strand). Cytogenetic location: 10q11.21.
Variant type: single nucleotide variant.
Coding change: c.641C>T on transcript NM_014753.4 (MANE Select); coding-DNA position 641, C replaced by T.
Protein change: p.Ala214Val; replaces alanine 214 with valine.
Molecular consequence: missense variant.
Genome position (GRCh38, 1-based): chr10:42,791,631, C>T. VCF-style: chr10-42791631-C-T. GRCh37 (hg19) VCF-style: chr10-43287079-C-T.
Other names: short protein forms A214V.
Identifiers: ClinVar variation 734056 (VCV000734056.8), dbSNP rs141772670, ClinGen allele CA5475489.

ClinVar aggregate classification (germline): Benign/Likely benign. Review status: criteria provided, multiple submitters, no conflicts (2 of 4 stars). 4 submissions from 4 submitters: Benign (2); Likely benign (1). 1 of the submissions does not count toward it. Last evaluated 2024-11-13.

Conditions:
BMS1-related disorder. Also called: BMS1-related condition.

Allele frequency attached by ClinVar (database versions not stated): gnomAD exomes 0.00072; ESP Exome Variant Server 0.00108; gnomAD 0.00121; ExAC 0.00423; 1000 Genomes Project 30x 0.00843.

Submissions (4):

Blueprint Genetics
Classification: Likely benign. Last evaluated: 2024-11-13. Review status: criteria provided, single submitter. Criteria: ACMG Guidelines, 2015. Collection method: clinical testing. Allele origin: germline.

Labcorp Genetics (formerly Invitae), Labcorp
Classification: Benign. Last evaluated: 2019-12-31. Review status: criteria provided, single submitter. Criteria: Invitae Variant Classification Sherloc (09022015). Collection method: clinical testing. Allele origin: germline.

Breakthrough Genomics
Classification: Benign. Review status: criteria provided, single submitter. Criteria: ACMG Guidelines, 2015. Collection method: not provided. Allele origin: germline. Inheritance: Autosomal dominant inheritance. Affected: yes.

PreventionGenetics, part of Exact Sciences
Classification: Likely benign for BMS1-related condition. Last evaluated: 2020-06-12. Review status: no assertion criteria provided. Collection method: clinical testing. Allele origin: germline. Not counted in ClinVar's aggregate classification.
Comment: This variant is classified as likely benign based on ACMG/AMP sequence variant interpretation guidelines (Richards et al. 2015 PMID: 25741868, with internal and published modifications).